The following is an entry in ClinVar:

ClinVar aggregate classification (germline): Uncertain significance. Review status: criteria provided, multiple submitters, no conflicts (2 of 4 stars). 3 submissions from 3 submitters: Uncertain significance (3). Last evaluated 2024-01-02.

Conditions:
Short-rib thoracic dysplasia 18 with polydactyly. Identifiers: MedGen C4693420, MONDO:0036483, OMIM 617866.
Retinitis pigmentosa 81 (RP81). Identifiers: MedGen C4693443, MONDO:0036482, OMIM 617871.
Cranioectodermal dysplasia 3 (CED3). Identifiers: Orphanet 1515, MedGen C3279807, MONDO:0013573, OMIM 614099.

Allele frequency attached by ClinVar (database versions not stated): gnomAD exomes below 0.00001 and 0.00002; TOPMed below 0.00001; gnomAD 0.00001.
gnomAD v4.1: 27 of 1,614,026 alleles (0.0017%); highest among the groups gnomAD compares: Non-Finnish European, 0.0023%; no homozygotes.

Submissions (3):

Ambry Genetics
Classification: Uncertain significance. Last evaluated: 2024-01-02. Review status: criteria provided, single submitter. Criteria: Ambry Variant Classification Scheme 2023. Collection method: clinical testing. Allele origin: germline.

Fulgent Genetics
Classification: Uncertain significance for Cranioectodermal dysplasia 3; Short-rib thoracic dysplasia 18 with polydactyly; Retinitis pigmentosa 81. Last evaluated: 2022-05-31. Review status: criteria provided, single submitter. Criteria: ACMG Guidelines, 2015. Collection method: clinical testing. Allele origin: unknown.

Labcorp Genetics (formerly Invitae), Labcorp
Classification: Uncertain significance. Last evaluated: 2021-09-01. Review status: criteria provided, single submitter. Criteria: Invitae Variant Classification Sherloc (09022015). Collection method: clinical testing. Allele origin: germline.
Comment: This sequence change replaces leucine with isoleucine at codon 162 of the IFT43 protein (p.Leu162Ile). The leucine residue is highly conserved and there is a small physicochemical difference between leucine and isoleucine. This variant is not present in population databases (ExAC no frequency). This variant has not been reported in the literature in individuals affected with IFT43-related conditions. Algorithms developed to predict the effect of missense changes on protein structure and function are either unavailable or do not agree on the potential impact of this missense change (SIFT: "Deleterious"; PolyPhen-2: "Probably Damaging"; Align-GVGD: "Class C0"). In summary, the available evidence is currently insufficient to determine the role of this variant in disease. Therefore, it has been classified as a Variant of Uncertain Significance.

NM_001102564.3(IFT43):c.469C>A (p.Leu157Ile)

Gene: IFT43 (intraflagellar transport 43; plus strand). Cytogenetic location: 14q24.3.
Variant type: single nucleotide variant.
Coding change: c.469C>A on transcript NM_001102564.3 (MANE Select); coding-DNA position 469, C replaced by A.
Protein change: p.Leu157Ile; replaces leucine 157 with isoleucine.
Molecular consequence: missense variant. On other transcripts: non-coding transcript variant (2).
Genome position (GRCh38, 1-based): chr14:76,083,251, C>A. VCF-style: chr14-76083251-C-A. GRCh37 (hg19) VCF-style: chr14-76549594-C-A.
Other names: c.484C>A, p.Leu162Ile (NM_052873.3); c.484C>A (NM_052873.2); short protein forms L157I, L162I.
Identifiers: ClinVar variation 1021274 (VCV001021274.7), dbSNP rs1414874776, ClinGen allele CA390474556.